The following is an entry in ClinVar:

ClinVar aggregate classification (germline): Uncertain significance (1 of 4 stars; one submission).

Conditions:
Epilepsy, X-linked 1, with variable learning disabilities and behavior disorders. Also called: X-linked epilepsy-learning disabilities-behavior disorders syndrome. Identifiers: Orphanet 85294, MedGen C5774177, MONDO:0010339, OMIM 300491.

Submission:

Labcorp Genetics (formerly Invitae), Labcorp
Classification: Uncertain significance for Epilepsy, X-linked 1, with variable learning disabilities and behavior disorders. Last evaluated: 2025-05-07. Review status: criteria provided, single submitter. Criteria: Invitae Variant Classification Sherloc (09022015). Collection method: clinical testing. Allele origin: germline.
Comment: This sequence change replaces glutamine, which is neutral and polar, with histidine, which is basic and polar, at codon 635 of the SYN1 protein (p.Gln635His). This variant is not present in population databases (gnomAD no frequency). This variant has not been reported in the literature in individuals affected with SYN1-related conditions. ClinVar contains an entry for this variant (Variation ID: 2902261). Experimental studies and prediction algorithms are not available or were not evaluated, and the functional significance of this variant is currently unknown. In summary, the available evidence is currently insufficient to determine the role of this variant in disease. Therefore, it has been classified as a Variant of Uncertain Significance.

NM_006950.3(SYN1):c.1905G>T (p.Gln635His)

Gene: SYN1 (synapsin I; minus strand). Cytogenetic location: Xp11.3.
Variant type: single nucleotide variant.
Coding change: c.1905G>T on transcript NM_006950.3 (MANE Select); coding-DNA position 1905, G replaced by T.
Protein change: p.Gln635His; replaces glutamine 635 with histidine.
Molecular consequence: missense variant.
Genome position (GRCh38, 1-based): chrX:47,574,079, C>A on the plus strand (G>T on the coding strand, the complement: SYN1 is on the minus strand). VCF-style: chrX-47574079-C-A. GRCh37 (hg19) VCF-style: chrX-47433478-C-A.
Other names: c.1905G>T, p.Gln635His (NM_133499.2); short protein forms Q635H.
Identifiers: ClinVar variation 2902261 (VCV002902261.3), dbSNP rs2057769075, ClinGen allele CA412822209.